The following is an entry in ClinVar:

ClinVar aggregate classification (germline): Pathogenic (1 of 4 stars; one submission).

Conditions:
Mucopolysaccharidosis, MPS-II (MPS2). Also called: Hunter Syndrome; IDURONATE 2-SULFATASE DEFICIENCY; Mucopolysaccharidosis Type II; Mucopolysaccharidosis type 2; Attenuated MPS (subtype; formerly known as mild MPS II); Severe MPS II. Identifiers: Orphanet 580, Orphanet 79388, MedGen C0026705, MONDO:0010674, OMIM 309900.

Submission:

Laboratory of Diagnosis and Therapy of Lysosomal Disorders, University of Padova
Classification: Pathogenic for Mucopolysaccharidosis, MPS-II. Last evaluated: 2024-06-07. Review status: criteria provided, single submitter. Criteria: ACMG Guidelines, 2015. Collection method: literature only. Allele origin: germline. Affected: yes. Observed: 1 variant allele.
Comment: Null variant (PVS1_VeryStrong), Absent from controls (or at low frequency) in gnomAD database (PM2_Moderate), Patient’s phenotype or family history highly specific for the disease (PP4_Strong)

Classification method: ACMG Guidelines [PMID:25741868] with modifications

Literature cited by the submitters: PubMed 30639582.

NM_000202.8(IDS):c.419-2A>T

Genes: IDS (iduronate 2-sulfatase; minus strand), LOC106050102 (IDS recombination region; plus strand). Cytogenetic location: Xq28.
Variant type: single nucleotide variant.
Coding change: c.419-2A>T on transcript NM_000202.8 (MANE Select); the canonical splice acceptor site of the intron before coding-DNA position 419, A replaced by T.
Molecular consequence: splice acceptor variant.
Genome position (GRCh38, 1-based): chrX:149,501,039, T>A on the plus strand (A>T on the coding strand, the complement: IDS is on the minus strand). VCF-style: chrX-149501039-T-A. GRCh37 (hg19) VCF-style: chrX-148582570-T-A.
Other names: c.149-2A>T (NM_001166550.4); c.419-2A>T (NM_006123.5).
Identifiers: ClinVar variation 3255717 (VCV003255717.2).